The following is an entry in ClinVar:

ClinVar aggregate classification (germline): Likely benign. Review status: criteria provided, multiple submitters, no conflicts (2 of 4 stars). 2 submissions from 2 submitters: Likely benign (2). Last evaluated 2024-05-21.

Conditions:
Brugada syndrome 8 (BRGDA8). Identifiers: Orphanet 130, MedGen C2751083, MONDO:0013148, OMIM 613123.

Allele frequency attached by ClinVar (database versions not stated): TOPMed below 0.00001; gnomAD 0.00001; gnomAD exomes 0.00001.
gnomAD v4.1: 9 of 1,532,300 alleles (0.00059%); highest among the groups gnomAD compares: African/African-American, 0.0041%; no homozygotes.

Submissions (2):

Labcorp Genetics (formerly Invitae), Labcorp
Classification: Likely benign for Brugada syndrome 8. Last evaluated: 2024-05-21. Review status: criteria provided, single submitter. Criteria: Invitae Variant Classification Sherloc (09022015). Collection method: clinical testing. Allele origin: germline.

GeneDx
Classification: Likely benign. Last evaluated: 2017-10-18. Review status: criteria provided, single submitter. Criteria: GeneDx Variant Classification (06012015). Collection method: clinical testing. Allele origin: germline. Affected: yes.
Comment: This variant is considered likely benign or benign based on one or more of the following criteria: it is a conservative change, it occurs at a poorly conserved position in the protein, it is predicted to be benign by multiple in silico algorithms, and/or has population frequency not consistent with disease.

NM_005477.3(HCN4):c.3276C>T (p.Ala1092=)

Gene: HCN4 (hyperpolarization activated cyclic nucleotide gated potassium channel 4; minus strand). Cytogenetic location: 15q24.1.
Variant type: single nucleotide variant.
Coding change: c.3276C>T on transcript NM_005477.3 (MANE Select); coding-DNA position 3276, C replaced by T.
Protein change: p.Ala1092=; no amino-acid change (alanine 1092 retained).
Molecular consequence: synonymous variant.
Genome position (GRCh38, 1-based): chr15:73,322,817, G>A on the plus strand (C>T on the coding strand, the complement: HCN4 is on the minus strand). VCF-style: chr15-73322817-G-A. GRCh37 (hg19) VCF-style: chr15-73615158-G-A.
Identifiers: ClinVar variation 512725 (VCV000512725.7), dbSNP rs1370521798, ClinGen allele CA491477805.